The following is an entry in ClinVar:

NM_001267550.2(TTN):c.41124T>G (p.Cys13708Trp)

Gene: TTN (titin; minus strand). Cytogenetic location: 2q31.2.
Variant type: single nucleotide variant.
Coding change: c.41124T>G on transcript NM_001267550.2 (MANE Select); coding-DNA position 41124, T replaced by G.
Protein change: p.Cys13708Trp; replaces cysteine 13708 with tryptophan.
Molecular consequence: missense variant.
Genome position (GRCh38, 1-based): chr2:178,636,603, A>C on the plus strand (T>G on the coding strand, the complement: TTN is on the minus strand). VCF-style: chr2-178636603-A-C. GRCh37 (hg19) VCF-style: chr2-179501330-A-C.
Other names: p.C12067W:TGT>TGG; c.36201T>G, p.Cys12067Trp (NM_001256850.1); c.13929T>G, p.Cys4643Trp (NM_003319.4); c.33420T>G, p.Cys11140Trp (NM_133378.4); c.14304T>G, p.Cys4768Trp (NM_133432.3); c.14505T>G, p.Cys4835Trp (NM_133437.4); short protein forms C12067W, C13708W, C4643W, C11140W, C4768W, C4835W.
Identifiers: ClinVar variation 202617 (VCV000202617.2), dbSNP rs794729424, ClinGen allele CA309767.

ClinVar aggregate classification (germline): Uncertain significance/VUS-high. Review status: criteria provided, multiple submitters, no conflicts (2 of 4 stars). 2 submissions from 2 submitters: Uncertain significance (1); VUS-high (1). Last evaluated 2026-02-06.

Conditions:
Autosomal recessive titinopathy. Identifiers: MedGen CN315649, MONDO:0100493.

gnomAD v4.1: 2 of 1,613,480 alleles (0.00012%); no homozygotes.

Submissions (2):

Myofin, Folkhalsan Research Center
Classification: VUS-high for Autosomal recessive titinopathy. Last evaluated: 2026-02-06. Review status: criteria provided, single submitter. Criteria: ACMG Guidelines, 2015. Collection method: research. Allele origin: germline. Affected: yes.
Comment: The variant is rare in population databases (MAF 0.000001240 in gnomAD; no homozygotes reported) and has a high deleterious computational prediction (AlphaMissense 0.9990). Given limited case-level evidence and lack of robust variant-level functional/replication data, we classify this variant as Uncertain significance (VUS-high) for recessive titinopathy.

GeneDx
Classification: Uncertain significance. Last evaluated: 2016-09-08. Review status: criteria provided, single submitter. Criteria: GeneDx Variant Classification (06012015). Collection method: clinical testing. Allele origin: germline. Affected: yes.
Comment: The C11140W variant in the TTN gene has not been reported previously as a pathogenic variant, nor as a benign variant, to our knowledge. The C11140W variant was not observed in approximately 6100 individuals of European and African American ancestry in the NHLBI Exome Sequencing Project, indicating it is not a common benign variant in these populations. The C11140W variant is a non-conservative amino acid substitution, which is likely to impact secondary protein structure as these residues differ in polarity, charge, size and/or other properties. This substitution occurs within the I-band, at a position that is conserved in mammals. In silico analysis predicts this variant is probably damaging to the protein structure/function. Therefore, we interpret C11140W as a variant of uncertain significance.

Literature cited by the submitters: DOI 10.1101/2025.07.17.25331128 (cited by Myofin, Folkhalsan Research Center).